The following is an entry in ClinVar:

NM_001365276.2(TNXB):c.1426T>C (p.Cys476Arg)

Gene: TNXB (tenascin XB; minus strand). Cytogenetic location: 6p21.33.
Variant type: single nucleotide variant.
Coding change: c.1426T>C on transcript NM_001365276.2 (MANE Select); coding-DNA position 1426, T replaced by C.
Protein change: p.Cys476Arg; replaces cysteine 476 with arginine.
Molecular consequence: missense variant.
Genome position (GRCh38, 1-based): chr6:32,096,427, A>G on the plus strand (T>C on the coding strand, the complement: TNXB is on the minus strand). VCF-style: chr6-32096427-A-G. GRCh37 (hg19) VCF-style: chr6-32064204-A-G.
Other names: c.1426T>C, p.Cys476Arg (NM_001428335.1, NM_019105.8); short protein forms C476R.
Identifiers: ClinVar variation 3459757 (VCV003459757.1).

ClinVar aggregate classification (germline): Uncertain significance (1 of 4 stars; one submission).

Conditions:
Cardiovascular phenotype. Identifiers: MedGen CN230736.

Submission:

Ambry Genetics
Classification: Uncertain significance for Cardiovascular phenotype. Last evaluated: 2024-07-17. Review status: criteria provided, single submitter. Criteria: Ambry Variant Classification Scheme 2023. Collection method: clinical testing. Allele origin: germline.
Comment: The p.C476R variant (also known as c.1426T>C), located in coding exon 2 of the TNXB gene, results from a T to C substitution at nucleotide position 1426. The cysteine at codon 476 is replaced by arginine, an amino acid with highly dissimilar properties. This amino acid position is conserved. In addition, the in silico prediction for this alteration is inconclusive. Based on the available evidence, the clinical significance of this variant remains unclear.